The following is an entry in ClinVar:

ClinVar aggregate classification (germline): Conflicting classifications of pathogenicity. Review status: criteria provided, conflicting classifications (1 of 4 stars). 2 submissions from 2 submitters: Uncertain significance (1); Likely benign (1). Last evaluated 2025-05-28.

Conditions:
CCDC39-related disorder. Also called: CCDC39-related condition.
Primary ciliary dyskinesia. Also called: Ciliary dyskinesia. Identifiers: Orphanet 244, MedGen C0008780, MONDO:0016575, HP:0012265.

Allele frequency attached by ClinVar (database versions not stated): TOPMed below 0.00001.

Submissions (2):

PreventionGenetics, part of Exact Sciences
Classification: Likely benign for CCDC39-related condition. Last evaluated: 2025-05-28. Review status: criteria provided, single submitter. Criteria: ACMG Guidelines, 2015. Collection method: clinical testing. Allele origin: germline.
Comment: This variant is classified as likely benign based on ACMG/AMP sequence variant interpretation guidelines (Richards et al. 2015 PMID: 25741868, with internal and published modifications).

Labcorp Genetics (formerly Invitae), Labcorp
Classification: Uncertain significance for Primary ciliary dyskinesia. Last evaluated: 2021-09-01. Review status: criteria provided, single submitter. Criteria: Invitae Variant Classification Sherloc (09022015). Collection method: clinical testing. Allele origin: germline.
Comment: This sequence change falls in intron 9 of the CCDC39 gene. It does not directly change the encoded amino acid sequence of the CCDC39 protein. The frequency data for this variant in the population databases is considered unreliable, as metrics indicate insufficient coverage at this position in the ExAC database. This variant has been observed in individual(s) with clinical features of primary ciliary dyskinesia (Invitae). In at least one individual the data is consistent with the variant being in trans (on the opposite chromosome) from a pathogenic variant. Algorithms developed to predict the effect of sequence changes on RNA splicing suggest that this variant may create or strengthen a splice site. In summary, the available evidence is currently insufficient to determine the role of this variant in disease. Therefore, it has been classified as a Variant of Uncertain Significance.

NM_181426.2(CCDC39):c.1167+1248A>G

Gene: CCDC39 (coiled-coil domain 39 molecular ruler complex subunit; minus strand). Cytogenetic location: 3q26.33.
Variant type: single nucleotide variant.
Coding change: c.1167+1248A>G on transcript NM_181426.2 (MANE Select); 1248 bases into the intron after coding-DNA position 1167, A replaced by G.
Molecular consequence: intron variant.
Genome position (GRCh38, 1-based): chr3:180,650,153, T>C on the plus strand (A>G on the coding strand, the complement: CCDC39 is on the minus strand). VCF-style: chr3-180650153-T-C. GRCh37 (hg19) VCF-style: chr3-180367941-T-C.
Other names: c.1167+1248A>G (NM_181426.1).
Identifiers: ClinVar variation 1497033 (VCV001497033.6), dbSNP rs1718166306, ClinGen allele CA1424305969.
Genomic context (GRCh38, chr3:180,650,153, plus strand): 5'-ACCCCCCCAAACGAGTAAAAGCAAGAAGTAGAGTCAGGTCACACTTATAGTTCACACTTA[T>C]AGTTCACTTTGAAGTTTTCAAAGACGAAGTGGTGCACCAGCCTTTTCCAGTTCCTCAAAA-3'